The following is an entry in ClinVar:

NM_144585.4(SLC22A12):c.1340C>T (p.Ala447Val)

Gene: SLC22A12 (solute carrier family 22 member 12; plus strand). Cytogenetic location: 11q13.1.
Variant type: single nucleotide variant.
Coding change: c.1340C>T on transcript NM_144585.4 (MANE Select); coding-DNA position 1340, C replaced by T.
Protein change: p.Ala447Val; replaces alanine 447 with valine.
Molecular consequence: missense variant.
Genome position (GRCh38, 1-based): chr11:64,600,421, C>T. VCF-style: chr11-64600421-C-T. GRCh37 (hg19) VCF-style: chr11-64367893-C-T.
Other names: c.1238C>T, p.Ala413Val (NM_001276326.2); c.1016C>T, p.Ala339Val (NM_001276327.2); c.677C>T, p.Ala226Val (NM_153378.3); short protein forms A447V, A226V, A339V, A413V.
Identifiers: ClinVar variation 2188630 (VCV002188630.5), dbSNP rs572933684, ClinGen allele CA6077410.

ClinVar aggregate classification (germline): Uncertain significance. Review status: criteria provided, multiple submitters, no conflicts (2 of 4 stars). 2 submissions from 2 submitters: Uncertain significance (2). Last evaluated 2024-05-01.

Conditions:
Dalmatian hypouricemia (RHUC1). Identifiers: MedGen C0473219, MONDO:0020728, OMIM 220150.

Allele frequency attached by ClinVar (database versions not stated): gnomAD exomes 0.00007; TOPMed 0.00007; gnomAD 0.00015; ExAC 0.00020.
gnomAD v4.1: 130 of 1,607,690 alleles (0.0081%); highest among the groups gnomAD compares: Non-Finnish European, 0.0098%; no homozygotes.

Submissions (2):

Fulgent Genetics
Classification: Uncertain significance for Dalmatian hypouricemia. Last evaluated: 2024-05-01. Review status: criteria provided, single submitter. Criteria: ACMG Guidelines, 2015. Collection method: clinical testing. Allele origin: germline.

Labcorp Genetics (formerly Invitae), Labcorp
Classification: Uncertain significance. Last evaluated: 2022-07-17. Review status: criteria provided, single submitter. Criteria: Invitae Variant Classification Sherloc (09022015). Collection method: clinical testing. Allele origin: germline.
Comment: Algorithms developed to predict the effect of missense changes on protein structure and function output the following: SIFT: "Tolerated"; PolyPhen-2: "Benign"; Align-GVGD: "Class C0". The valine amino acid residue is found in multiple mammalian species, which suggests that this missense change does not adversely affect protein function. In summary, the available evidence is currently insufficient to determine the role of this variant in disease. Therefore, it has been classified as a Variant of Uncertain Significance. This variant has not been reported in the literature in individuals affected with SLC22A12-related conditions. This variant is present in population databases (rs572933684, gnomAD 0.03%). This sequence change replaces alanine, which is neutral and non-polar, with valine, which is neutral and non-polar, at codon 447 of the SLC22A12 protein (p.Ala447Val).